The following is an entry in ClinVar:

ClinVar aggregate classification (germline): Uncertain significance (1 of 4 stars; one submission).

Submission:

GeneDx
Classification: Uncertain significance. Last evaluated: 2025-09-22. Review status: criteria provided, single submitter. Criteria: GeneDx Variant Classification Process June 2021. Collection method: clinical testing. Allele origin: germline. Affected: yes.
Comment: Not observed at significant frequency in large population cohorts (gnomAD); In silico analysis supports that this missense variant has a deleterious effect on protein structure/function; Has not been previously published as pathogenic or benign to our knowledge

NM_000489.6(ATRX):c.6641T>C (p.Leu2214Ser)

Gene: ATRX (ATRX chromatin remodeler; minus strand). Cytogenetic location: Xq21.1.
Variant type: single nucleotide variant.
Coding change: c.6641T>C on transcript NM_000489.6 (MANE Select); coding-DNA position 6641, T replaced by C.
Protein change: p.Leu2214Ser; replaces leucine 2214 with serine.
Molecular consequence: missense variant.
Genome position (GRCh38, 1-based): chrX:77,557,509, A>G on the plus strand (T>C on the coding strand, the complement: ATRX is on the minus strand). VCF-style: chrX-77557509-A-G. GRCh37 (hg19) VCF-style: chrX-76812980-A-G.
Other names: c.6527T>C, p.Leu2176Ser (NM_138270.5); short protein forms L2176S, L2214S.
Identifiers: ClinVar variation 3371524 (VCV003371524.2).